The following is an entry in ClinVar:

ClinVar aggregate classification (germline): Uncertain significance (1 of 4 stars; one submission).

gnomAD v4.1: 2 of 1,613,890 alleles (0.00012%); highest among the groups gnomAD compares: Non-Finnish European, 0.00017%; no homozygotes.

Submission:

GeneDx
Classification: Uncertain significance. Last evaluated: 2024-04-21. Review status: criteria provided, single submitter. Criteria: GeneDx Variant Classification Process June 2021. Collection method: clinical testing. Allele origin: germline. Affected: yes.
Comment: In silico analysis indicates that this missense variant does not alter protein structure/function; Has not been previously published as pathogenic or benign to our knowledge

NM_052867.4(NALCN):c.2971C>G (p.Leu991Val)

Gene: NALCN (sodium leak channel, non-selective; minus strand). Cytogenetic location: 13q33.1.
Variant type: single nucleotide variant.
Coding change: c.2971C>G on transcript NM_052867.4 (MANE Select); coding-DNA position 2971, C replaced by G.
Protein change: p.Leu991Val; replaces leucine 991 with valine.
Molecular consequence: missense variant.
Genome position (GRCh38, 1-based): chr13:101,103,258, G>C on the plus strand (C>G on the coding strand, the complement: NALCN is on the minus strand). VCF-style: chr13-101103258-G-C. GRCh37 (hg19) VCF-style: chr13-101755609-G-C.
Other names: c.3058C>G, p.Leu1020Val (NM_001350748.2); c.2971C>G, p.Leu991Val (NM_001350749.2); c.2884C>G, p.Leu962Val (NM_001350750.2, NM_001350751.2); short protein forms L1020V, L962V, L991V.
Identifiers: ClinVar variation 3372704 (VCV003372704.1).
Genomic context (GRCh38, chr13:101,103,258, plus strand): 5'-AAAGTTCTCGAACAACTTTCCTCATCTGGGGCACCAGTTTGAATATGCGCAGAGGTCTCA[G>C]GCACCGAAGGACCATTAGAAGCTGAGCTCCCGATTCAGCAGGTACATTTTGAGGCATCCA-3'
Protein context (NP_443099.1, residues 981-1001): GAQLLMVLRC[Leu991Val]RPLRIFKLVP